The following is an entry in ClinVar:

NM_012239.6(SIRT3):c.432G>A (p.Val144=)

Gene: SIRT3 (sirtuin 3; minus strand). Cytogenetic location: 11p15.5.
Variant type: single nucleotide variant.
Coding change: c.432G>A on transcript NM_012239.6 (MANE Select); coding-DNA position 432, G replaced by A.
Protein change: p.Val144=; no amino-acid change (valine 144 retained).
Molecular consequence: synonymous variant. On other transcripts: non-coding transcript variant (17), intron variant (3).
Genome position (GRCh38, 1-based): chr11:233,384, C>T on the plus strand (G>A on the coding strand, the complement: SIRT3 is on the minus strand). VCF-style: chr11-233384-C-T. GRCh37 (hg19) VCF-style: chr11-233384-C-T.
Other names: c.6G>A, p.Val2= (NM_001017524.3, NM_001370318.1, NM_001370319.1 and 6 more transcripts); c.432G>A, p.Val144= (NM_001370310.1, NM_001370314.1); c.189G>A, p.Val63= (NM_001370315.1); c.-10+3232G>A (NM_001370317.1); c.135+2810G>A (NM_001370316.1); c.282-169G>A (NM_001370312.1).
Identifiers: ClinVar variation 4978513 (VCV004978513.1).

ClinVar aggregate classification (germline): Likely benign (1 of 4 stars; one submission).

Conditions:
SIRT3-related disorder. Also called: SIRT3-related condition.

gnomAD v4.1: 48 of 1,613,984 alleles (0.003%); highest among the groups gnomAD compares: African/African-American, 0.059%; no homozygotes.

Submission:

PreventionGenetics, part of Exact Sciences
Classification: Likely benign for SIRT3-related condition. Last evaluated: 2026-02-04. Review status: criteria provided, single submitter. Criteria: ACMG Guidelines, 2015. Collection method: clinical testing. Allele origin: germline.
Comment: This variant is classified as likely benign based on ACMG/AMP sequence variant interpretation guidelines (Richards et al. 2015 PMID: 25741868, with internal and published modifications).